The following is an entry in ClinVar:

NM_001321075.3(DLG4):c.1240del (p.Ser414fs)

Genes: DLG4 (discs large MAGUK scaffold protein 4; minus strand), LOC126862479 (MED14-independent group 3 enhancer GRCh37_chr17:7099412-7100611; plus strand). Cytogenetic location: 17p13.1.
Variant type: Deletion.
Coding change: c.1240del on transcript NM_001321075.3 (MANE Select); coding-DNA position 1240, one base deleted (A; older notation c.1240delA).
Protein change: p.Ser414fs; shifts the reading frame from serine 414.
Molecular consequence: frameshift variant. On other transcripts: non-coding transcript variant (1).
Genome position (GRCh38, 1-based): chr17:7,196,281, T deleted on the plus strand (A on the coding strand, the reverse complement: DLG4 is on the minus strand). VCF-style (leftmost placement, unchanged base first): chr17-7196280-CT-C. GRCh37 (hg19) VCF-style: chr17-7099599-CT-C.
Other names: c.1231del, p.Ser411fs (NM_001128827.4); c.1360del, p.Ser454fs (NM_001321074.1); c.1060del, p.Ser354fs (NM_001321076.3, NM_001321077.3); c.1369delA, p.Ser457Alafs (NM_001365.5); c.1159del, p.Ser387fs (NM_001369566.3); short protein forms S354fs, S411fs, S414fs, S457fs, S387fs, S454fs.
Identifiers: ClinVar variation 2264869 (VCV002264869.2), dbSNP rs2507940839, ClinGen allele CA2580094755.

ClinVar aggregate classification (germline): Pathogenic (1 of 4 stars; one submission).

Conditions:
Inborn genetic diseases. Identifiers: MedGen C0950123, MeSH D030342.

Submission:

Ambry Genetics
Classification: Pathogenic for Inborn genetic diseases. Last evaluated: 2022-01-06. Review status: criteria provided, single submitter. Criteria: Ambry Variant Classification Scheme 2023. Collection method: clinical testing. Allele origin: germline.
Comment: The c.1369delA (p.S457Afs*35) alteration, located in exon 13 (coding exon 13) of the DLG4 gene, consists of a deletion of one nucleotide at position 1369, causing a translational frameshift with a predicted alternate stop codon after 35 amino acids. This alteration is expected to result in loss of function by premature protein truncation or nonsense-mediated mRNA decay. This variant was not reported in population-based cohorts in the Genome Aggregation Database (gnomAD). Based on the available evidence, this alteration is classified as pathogenic.